The following is an entry in ClinVar:

ClinVar aggregate classification (germline): Pathogenic (1 of 4 stars; one submission).

Conditions:
Hereditary spastic paraplegia 4. Also called: Spastic paraplegia 4, autosomal dominant; Spastic Paraplegia 4; Familial spastic paraplegia autosomal dominant 2. Identifiers: Orphanet 100985, MedGen C1866855, MONDO:0008438, OMIM 182601.

Submission:

Labcorp Genetics (formerly Invitae), Labcorp
Classification: Pathogenic for Hereditary spastic paraplegia 4. Last evaluated: 2019-11-04. Review status: criteria provided, single submitter. Criteria: Invitae Variant Classification Sherloc (09022015). Collection method: clinical testing. Allele origin: germline.
Comment: This variant is a gross deletion of the genomic region encompassing exons 5 - 17 of the SPAST gene. The 5' boundary is likely confined to intron 4. The 3' end of this event is unknown as it extends through the termination codon beyond the assayed region for this gene and may encompass additional genes. While this deletion is not anticipated to result in nonsense mediated decay, it is expected to create a truncated protein product or disrupt mRNA translation. This variant has been observed in an individual affected with hereditary spastic paraplegia (PMID: 26208798). This variant disrupts the p.Gly559 amino acid residue in SPAST. Other variant(s) that disrupt this residue have been determined to be pathogenic (PMID: 11087788, 11843700, 15248095, 17598600, 22960362, 20718791). This suggests that this residue is clinically significant, and that variants that disrupt this residue are likely to be disease-causing. For these reasons, this variant has been classified as Pathogenic.

Literature cited by the submitters: PubMed 26208798; PubMed 11087788; PubMed 11843700; PubMed 15248095; PubMed 17598600; PubMed 22960362; PubMed 20718791.

NC_000002.11:g.(?_32339697)_(32379575_?)del

Gene: SPAST (spastin; plus strand). Cytogenetic location: 2p22.3.
Variant type: Deletion.
Identifiers: ClinVar variation 1074112 (VCV001074112.1).